The following is an entry in ClinVar:

NM_015338.6(ASXL1):c.4281T>G (p.Pro1427=)

Gene: ASXL1 (ASXL transcriptional regulator 1; plus strand). Cytogenetic location: 20q11.21.
Variant type: single nucleotide variant.
Coding change: c.4281T>G on transcript NM_015338.6 (MANE Select); coding-DNA position 4281, T replaced by G.
Protein change: p.Pro1427=; no amino-acid change (proline 1427 retained).
Molecular consequence: synonymous variant.
Genome position (GRCh38, 1-based): chr20:32,436,993, T>G. VCF-style: chr20-32436993-T-G. GRCh37 (hg19) VCF-style: chr20-31024796-T-G.
Other names: c.4098T>G, p.Pro1366= (NM_001363734.1).
Identifiers: ClinVar variation 799747 (VCV000799747.27), dbSNP rs144014492, ClinGen allele CA9809003.

ClinVar aggregate classification (germline): Likely benign. Review status: criteria provided, multiple submitters, no conflicts (2 of 4 stars). 3 submissions from 3 submitters: Likely benign (3). Last evaluated 2024-12-01.

Conditions:
Inborn genetic diseases. Identifiers: MedGen C0950123, MeSH D030342.

Allele frequency attached by ClinVar (database versions not stated): gnomAD 0.00003 and 0.00004; ExAC 0.00006; gnomAD exomes 0.00006; TOPMed 0.00006; ESP Exome Variant Server 0.00015.
gnomAD v4.1: 97 of 1,613,880 alleles (0.006%); highest among the groups gnomAD compares: Non-Finnish European, 0.0073%; no homozygotes.

Submissions (3):

Ambry Genetics
Classification: Likely benign for Inborn genetic diseases. Last evaluated: 2024-12-01. Review status: criteria provided, single submitter. Criteria: Ambry Variant Classification Scheme 2023. Collection method: clinical testing. Allele origin: germline.

CeGaT Center for Human Genetics Tuebingen
Classification: Likely benign. Last evaluated: 2024-01-01. Review status: criteria provided, single submitter. Criteria: CeGaT Center For Human Genetics Tuebingen Variant Classification Criteria Version 2. Collection method: clinical testing. Allele origin: germline. Affected: yes. Observed: 1 variant allele.
Comment: ASXL1: BP4, BP7

Labcorp Genetics (formerly Invitae), Labcorp
Classification: Likely benign. Last evaluated: 2019-12-31. Review status: criteria provided, single submitter. Criteria: Invitae Variant Classification Sherloc (09022015). Collection method: clinical testing. Allele origin: germline.